The following is an entry in ClinVar:

ClinVar aggregate classification (germline): Uncertain significance (1 of 4 stars; one submission).

Conditions:
PLXNA1-related disorder. Also called: PLXNA1-related condition.

Submission:

PreventionGenetics, part of Exact Sciences
Classification: Uncertain significance for PLXNA1-related condition. Last evaluated: 2024-10-22. Review status: criteria provided, single submitter. Criteria: ACMG Guidelines, 2015. Collection method: clinical testing. Allele origin: germline.
Comment: The PLXNA1 c.5461G>A variant is predicted to result in the amino acid substitution p.Ala1821Thr. To our knowledge, this variant has not been reported in the literature or in a large population database, indicating this variant is rare. At this time, the clinical significance of this variant is uncertain due to the absence of conclusive functional and genetic evidence.

NM_032242.4(PLXNA1):c.5461G>A (p.Ala1821Thr)

Gene: PLXNA1 (plexin A1; plus strand). Cytogenetic location: 3q21.3.
Variant type: single nucleotide variant.
Coding change: c.5461G>A on transcript NM_032242.4 (MANE Select); coding-DNA position 5461, G replaced by A.
Protein change: p.Ala1821Thr; replaces alanine 1821 with threonine.
Molecular consequence: missense variant.
Genome position (GRCh38, 1-based): chr3:127,032,702, G>A. VCF-style: chr3-127032702-G-A. GRCh37 (hg19) VCF-style: chr3-126751545-G-A.
Other names: short protein forms A1821T.
Identifiers: ClinVar variation 3357623 (VCV003357623.2).